The following is an entry in ClinVar:

ClinVar aggregate classification (germline): Uncertain significance. Review status: criteria provided, multiple submitters, no conflicts (2 of 4 stars). 3 submissions from 3 submitters: Uncertain significance (3). Last evaluated 2026-03-02.

Conditions:
D-Glyceric aciduria. Also called: Deficiency of glycerate kinase; GLYCERATE KINASE DEFICIENCY. Identifiers: Orphanet 941, MedGen C0342765, MONDO:0009070, OMIM 220120.

gnomAD v4.1: 8 of 1,606,374 alleles (0.0005%); highest among the groups gnomAD compares: Admixed American, 0.0017%; no homozygotes.

Submissions (3):

GeneDx
Classification: Uncertain significance. Last evaluated: 2026-03-02. Review status: criteria provided, single submitter. Criteria: GeneDx Variant Classification Process June 2021. Collection method: clinical testing. Allele origin: germline.
Comment: Not observed at significant frequency in large population cohorts (gnomAD); In silico analysis suggests that this missense variant does not alter protein structure/function; Has not been previously published as pathogenic or benign to our knowledge

Ambry Genetics
Classification: Uncertain significance. Last evaluated: 2025-04-14. Review status: criteria provided, single submitter. Criteria: Ambry Variant Classification Scheme 2023. Collection method: clinical testing. Allele origin: germline.

Revvity Omics, Revvity
Classification: Uncertain significance for D-Glyceric aciduria. Last evaluated: 2019-11-06. Review status: criteria provided, single submitter. Criteria: ACMG Guidelines, 2015. Collection method: clinical testing. Allele origin: germline.

NM_145262.4(GLYCTK):c.1132G>A (p.Ala378Thr)

Gene: GLYCTK (glycerate kinase; plus strand). Cytogenetic location: 3p21.2.
Variant type: single nucleotide variant.
Coding change: c.1132G>A on transcript NM_145262.4 (MANE Select); coding-DNA position 1132, G replaced by A.
Protein change: p.Ala378Thr; replaces alanine 378 with threonine.
Molecular consequence: missense variant. On other transcripts: 3 prime UTR variant (1), non-coding transcript variant (2).
Genome position (GRCh38, 1-based): chr3:52,292,686, G>A. VCF-style: chr3-52292686-G-A. GRCh37 (hg19) VCF-style: chr3-52326702-G-A.
Other names: c.*251G>A (NM_001144951.2); c.1132G>A (NM_145262.3); short protein forms A378T.
Identifiers: ClinVar variation 2432175 (VCV002432175.7), dbSNP rs1186216170, ClinGen allele CA353075255.